The following is an entry in ClinVar:

NM_025114.4(CEP290):c.2063C>A (p.Ser688Ter)

Gene: CEP290 (centrosomal protein 290; minus strand). Cytogenetic location: 12q21.32.
Variant type: single nucleotide variant.
Coding change: c.2063C>A on transcript NM_025114.4 (MANE Select); coding-DNA position 2063, C replaced by A.
Protein change: p.Ser688Ter; replaces serine 688 with a stop codon.
Molecular consequence: nonsense.
Genome position (GRCh38, 1-based): chr12:88,111,848, G>T on the plus strand (C>A on the coding strand, the complement: CEP290 is on the minus strand). VCF-style: chr12-88111848-G-T. GRCh37 (hg19) VCF-style: chr12-88505625-G-T.
Other names: short protein forms S688*.
Identifiers: ClinVar variation 5013918 (VCV005013918.1).

ClinVar aggregate classification (germline): Pathogenic (1 of 4 stars; one submission).

Conditions:
CEP290-related ciliopathy. Also called: CEP290 ciliopathy. Identifiers: MedGen CN305601, MONDO:0100451.

Submission:

Myriad Genetics, Inc.
Classification: Pathogenic for CEP290-related ciliopathy. Last evaluated: 2025-01-03. Review status: criteria provided, single submitter. Criteria: Myriad Autosomal Dominant, Autosomal Recessive and X-Linked Classification Criteria (2023). Collection method: clinical testing. Allele origin: unknown.
Comment: NM_025114.3(CEP290):c.2063C>A(S688*) is expected to be pathogenic in the context of CEP290-related disorders. This variant is predicted to lead to an abnormal or absent protein product due to the creation of a premature termination codon in CEP290, a gene where loss-of-function variants are known to be pathogenic. Please note: this variant was assessed in the context of healthy population screening.